The following is an entry in ClinVar:

ClinVar aggregate classification (germline): Likely benign (1 of 4 stars; one submission).

Conditions:
SMARCA2-related disorder. Also called: SMARCA2-related condition.

gnomAD v4.1: 27 of 1,613,052 alleles (0.0017%); highest among the groups gnomAD compares: African/African-American, 0.0027%; no homozygotes.

Submission:

PreventionGenetics, part of Exact Sciences
Classification: Likely benign for SMARCA2-related condition. Last evaluated: 2025-01-28. Review status: criteria provided, single submitter. Criteria: ACMG Guidelines, 2015. Collection method: clinical testing. Allele origin: germline.
Comment: This variant is classified as likely benign based on ACMG/AMP sequence variant interpretation guidelines (Richards et al. 2015 PMID: 25741868, with internal and published modifications).

NM_003070.5(SMARCA2):c.4389C>T (p.Ser1463=)

Gene: SMARCA2 (SWI/SNF related BAF chromatin remodeling complex subunit ATPase 2; plus strand). Cytogenetic location: 9p24.3.
Variant type: single nucleotide variant.
Coding change: c.4389C>T on transcript NM_003070.5 (MANE Select); coding-DNA position 4389, C replaced by T.
Protein change: p.Ser1463=; no amino-acid change (serine 1463 retained).
Molecular consequence: synonymous variant.
Genome position (GRCh38, 1-based): chr9:2,182,170, C>T. VCF-style: chr9-2182170-C-T. GRCh37 (hg19) VCF-style: chr9-2182170-C-T.
Other names: c.4389C>T, p.Ser1463= (NM_001289396.2); c.4161C>T, p.Ser1387= (NM_001289397.2); c.363C>T, p.Ser121= (NM_001289398.2); c.447C>T, p.Ser149= (NM_001289399.2); c.453C>T, p.Ser151= (NM_001289400.2); c.4335C>T, p.Ser1445= (NM_139045.4).
Identifiers: ClinVar variation 4985462 (VCV004985462.1).
Genomic context (GRCh38, chr9:2,182,170, plus strand): 5'-TTTTCTCCATTTTCTCCAAAATTTCCATCAGGAAAGGATTCGTAATCATAAGTACCGGAG[C>T]CTAGGCGACCTGGAGAAGGATGTCATGCTTCTCTGTCACAACGCTCAGACGTTCAACCTG-3'
Protein context (NP_003061.3, residues 1453-1473): KERIRNHKYR[Ser1463=]LGDLEKDVML